The following is an entry in ClinVar:

NM_015512.5(DNAH1):c.8838G>A (p.Pro2946=)

Gene: DNAH1 (dynein axonemal heavy chain 1; plus strand). Cytogenetic location: 3p21.1.
Variant type: single nucleotide variant.
Coding change: c.8838G>A on transcript NM_015512.5 (MANE Select); coding-DNA position 8838, G replaced by A.
Protein change: p.Pro2946=; no amino-acid change (proline 2946 retained).
Molecular consequence: synonymous variant.
Genome position (GRCh38, 1-based): chr3:52,386,688, G>A. VCF-style: chr3-52386688-G-A. GRCh37 (hg19) VCF-style: chr3-52420704-G-A.
Identifiers: ClinVar variation 647251 (VCV000647251.3), dbSNP rs547630757, ClinGen allele CA2435334.

ClinVar aggregate classification (germline): Conflicting classifications of pathogenicity. Review status: criteria provided, conflicting classifications (1 of 4 stars). 2 submissions from 2 submitters: Uncertain significance (1); Likely benign (1). Last evaluated 2022-07-18.

Conditions:
Spermatogenic failure 18. Identifiers: MedGen C4539783, MONDO:0054615, OMIM 617576.
Ciliary dyskinesia, primary, 37 (CILD37). Also called: CILIARY DYSKINESIA, PRIMARY, 37, WITH OR WITHOUT SITUS INVERSUS. Identifiers: MedGen C4539798, MONDO:0033204, OMIM 617577.

Allele frequency attached by ClinVar (database versions not stated): TOPMed 0.00002; gnomAD 0.00003; gnomAD exomes 0.00011; ExAC 0.00024; 1000 Genomes Project 0.00040; 1000 Genomes Project 30x 0.00047.
gnomAD v4.1: 79 of 1,589,626 alleles (0.005%); highest among the groups gnomAD compares: South Asian, 0.075%; 2 homozygotes.

Submissions (2):

Blueprint Genetics
Classification: Likely benign. Last evaluated: 2022-07-18. Review status: criteria provided, single submitter. Criteria: ACMG Guidelines, 2015. Collection method: clinical testing. Allele origin: germline.

Labcorp Genetics (formerly Invitae), Labcorp
Classification: Uncertain significance for Ciliary dyskinesia, primary, 37; Spermatogenic failure 18. Last evaluated: 2019-04-04. Review status: criteria provided, single submitter. Criteria: Invitae Variant Classification Sherloc (09022015). Collection method: clinical testing. Allele origin: germline.
Comment: This sequence change affects codon 2946 of the DNAH1 mRNA. It is a 'silent' change, meaning that it does not change the encoded amino acid sequence of the DNAH1 protein. This variant is present in population databases (rs547630757, ExAC 0.1%). This variant has not been reported in the literature in individuals with DNAH1-related conditions. Algorithms developed to predict the effect of sequence changes on RNA splicing suggest that this variant may create or strengthen a splice site, but this prediction has not been confirmed by published transcriptional studies. In summary, the available evidence is currently insufficient to determine the role of this variant in disease. Therefore, it has been classified as a Variant of Uncertain Significance.